The following is an entry in ClinVar:

NM_004415.4(DSP):c.939+13dup

Gene: DSP (desmoplakin; plus strand). Cytogenetic location: 6p24.3.
Variant type: Duplication.
Coding change: c.939+13dup on transcript NM_004415.4 (MANE Select); 13 bases into the intron after coding-DNA position 939, one base duplicated (C; older notation c.939+13dupC).
Genome position (GRCh38, 1-based): chr6:7,565,533, C duplicated; the last of 4 consecutive C bases (chr6:7,565,530-7,565,533); duplicating any one gives the same sequence. VCF-style (leftmost placement, unchanged base first): chr6-7565529-A-AC. GRCh37 (hg19) VCF-style: chr6-7565762-A-AC.
Other names: NM_004415.2:c.939+13dupC; c.939+13dup (NM_001319034.2, NM_001008844.3).
Identifiers: ClinVar variation 179467 (VCV000179467.16), dbSNP rs730880360, ClinGen allele CA007869.
Genomic context (GRCh38, chr6:7,565,529, plus strand): 5'-CGACTGGAGCGACAAGAACACCAACATCGCTCAGAAACAGGAGGCCTTCTCCGTAAGTTC[A>AC]CCCCACGCGGCTGTAGATGCTTGTCTTGAGCCTGTTGCCTTGAAGAGCTGGGGTCTCGGG-3'

ClinVar aggregate classification (germline): Benign/Likely benign. Review status: criteria provided, multiple submitters, no conflicts (2 of 4 stars). 4 submissions from 4 submitters: Benign (1); Likely benign (3). Last evaluated 2025-10-14.

Conditions:
Arrhythmogenic cardiomyopathy with wooly hair and keratoderma. Also called: Dilated cardiomyopathy with woolly hair and keratoderma; Arrhythmogenic cardiomyopathy with woolly hair and keratoderma; PALMOPLANTAR KERATODERMA WITH LEFT VENTRICULAR CARDIOMYOPATHY AND WOOLLY HAIR; Carvajal syndrome. Identifiers: Orphanet 65282, MedGen C1854063, MONDO:0011581, OMIM 605676.
Arrhythmogenic right ventricular dysplasia 8 (ARVD8). Also called: Arrhythmogenic Right Ventricular Dysplasia/Cardiomyopathy 8; ARRHYTHMOGENIC RIGHT VENTRICULAR CARDIOMYOPATHY 8; ARRHYTHMOGENIC RIGHT VENTRICULAR DYSPLASIA, FAMILIAL, 8. Identifiers: MedGen C1843896, MONDO:0011831, OMIM 607450.

Submissions (4):

Labcorp Genetics (formerly Invitae), Labcorp
Classification: Likely benign for Arrhythmogenic cardiomyopathy with wooly hair and keratoderma; Arrhythmogenic right ventricular dysplasia 8. Last evaluated: 2025-10-14. Review status: criteria provided, single submitter. Criteria: Invitae Variant Classification Sherloc (09022015). Collection method: clinical testing. Allele origin: germline.

Blueprint Genetics
Classification: Likely benign. Last evaluated: 2019-11-27. Review status: criteria provided, single submitter. Criteria: ACMG Guidelines, 2015. Collection method: clinical testing. Allele origin: germline.

GeneDx
Classification: Benign. Last evaluated: 2015-09-21. Review status: criteria provided, single submitter. Criteria: GeneDx Variant Classification Process June 2021. Collection method: clinical testing. Allele origin: germline. Affected: yes.

Laboratory for Molecular Medicine, Mass General Brigham Personalized Medicine
Classification: Likely benign. Last evaluated: 2013-12-05. Review status: criteria provided, single submitter. Criteria: LMM Criteria. Collection method: clinical testing. Allele origin: germline. Observed: 1 variant allele.
Comment: 939+13_939+14insC in intron 7 of DSP: This variant is not expected to have clini cal significance because it is not located within the splice consensus sequence. 939+13_939+14insC in intron 7 of DSP (allele frequency = n/a)